The following is an entry in ClinVar:

NM_001006658.3(CR2):c.2755G>A (p.Gly919Arg)

Gene: CR2 (complement C3d receptor 2; plus strand). Cytogenetic location: 1q32.2.
Variant type: single nucleotide variant.
Coding change: c.2755G>A on transcript NM_001006658.3 (MANE Select); coding-DNA position 2755, G replaced by A.
Protein change: p.Gly919Arg; replaces glycine 919 with arginine.
Molecular consequence: missense variant.
Genome position (GRCh38, 1-based): chr1:207,476,272, G>A. VCF-style: chr1-207476272-G-A. GRCh37 (hg19) VCF-style: chr1-207649617-G-A.
Other names: c.2578G>A, p.Gly860Arg (NM_001877.5); short protein forms G860R, G919R.
Identifiers: ClinVar variation 2056195 (VCV002056195.4), dbSNP rs759282516, ClinGen allele CA1369059.

ClinVar aggregate classification (germline): Uncertain significance (1 of 4 stars; one submission).

Conditions:
Immunodeficiency, common variable, 7. Identifiers: Orphanet 1572, Orphanet 696894, MedGen C3542922, MONDO:0013862, OMIM 614699.

Allele frequency attached by ClinVar (database versions not stated): gnomAD 0.00001; ExAC 0.00001.
gnomAD v4.1: 12 of 1,613,720 alleles (0.00074%); highest among the groups gnomAD compares: Non-Finnish European, 0.001%; no homozygotes.

Submission:

Labcorp Genetics (formerly Invitae), Labcorp
Classification: Uncertain significance for Immunodeficiency, common variable, 7. Last evaluated: 2022-03-14. Review status: criteria provided, single submitter. Criteria: Invitae Variant Classification Sherloc (09022015). Collection method: clinical testing. Allele origin: germline.
Comment: In summary, the available evidence is currently insufficient to determine the role of this variant in disease. Therefore, it has been classified as a Variant of Uncertain Significance. Algorithms developed to predict the effect of missense changes on protein structure and function (SIFT, PolyPhen-2, Align-GVGD) all suggest that this variant is likely to be disruptive. This variant has not been reported in the literature in individuals affected with CR2-related conditions. This variant is present in population databases (rs759282516, gnomAD 0.0009%). This sequence change replaces glycine, which is neutral and non-polar, with arginine, which is basic and polar, at codon 919 of the CR2 protein (p.Gly919Arg).